The following is an entry in ClinVar:

ClinVar aggregate classification (germline): Uncertain significance. Review status: criteria provided, single submitter (1 of 4 stars). 2 submissions from 2 submitters: Uncertain significance (1). 1 of the submissions does not count toward it. Last evaluated 2025-08-27.

Conditions:
Inborn genetic diseases. Identifiers: MedGen C0950123, MeSH D030342.
PCNT-related disorder. Also called: PCNT-related condition.

gnomAD v4.1: 14 of 1,614,096 alleles (0.00087%); highest among the groups gnomAD compares: East Asian, 0.0045%; no homozygotes.

Submissions (2):

Ambry Genetics
Classification: Uncertain significance for Inborn genetic diseases. Last evaluated: 2025-08-27. Review status: criteria provided, single submitter. Criteria: Ambry Variant Classification Scheme 2023. Collection method: clinical testing. Allele origin: germline.

PreventionGenetics, part of Exact Sciences
Classification: Uncertain significance for PCNT-related condition. Last evaluated: 2024-03-19. Review status: no assertion criteria provided. Collection method: clinical testing. Allele origin: germline. Not counted in ClinVar's aggregate classification.
Comment: The PCNT c.2381C>G variant is predicted to result in the amino acid substitution p.Ala794Gly. To our knowledge, this variant has not been reported in the literature. This variant is reported in 0.010% of alleles in individuals of East Asian descent in gnomAD. At this time, the clinical significance of this variant is uncertain due to the absence of conclusive functional and genetic evidence.

NM_006031.6(PCNT):c.2381C>G (p.Ala794Gly)

Gene: PCNT (pericentrin; plus strand). Cytogenetic location: 21q22.3.
Variant type: single nucleotide variant.
Coding change: c.2381C>G on transcript NM_006031.6 (MANE Select); coding-DNA position 2381, C replaced by G.
Protein change: p.Ala794Gly; replaces alanine 794 with glycine.
Molecular consequence: missense variant.
Genome position (GRCh38, 1-based): chr21:46,363,706, C>G. VCF-style: chr21-46363706-C-G. GRCh37 (hg19) VCF-style: chr21-47783621-C-G.
Other names: c.2027C>G, p.Ala676Gly (NM_001315529.2); short protein forms A676G, A794G.
Identifiers: ClinVar variation 3354559 (VCV003354559.2).